The following is an entry in ClinVar:

ClinVar aggregate classification (germline): Uncertain significance (1 of 4 stars; one submission).

Conditions:
Melnick-Needles syndrome (MNS). Also called: MELNICK-NEEDLES OSTEODYSPLASTY; OSTEODYSPLASTY OF MELNICK AND NEEDLES; Melnick-Needles Syndrome (FLNA-MNS). Identifiers: Orphanet 2484, MedGen C0025237, MONDO:0010650, OMIM 309350.
Frontometaphyseal dysplasia (FMD1). Identifiers: Orphanet 1826, MedGen C0265293, MONDO:0015942.
Heterotopia, periventricular, X-linked dominant (PVNH1). Also called: PERIVENTRICULAR NODULAR HETEROTOPIA 1; X-linked periventricular heterotopia; PERIVENTRICULAR NODULAR HETEROTOPIA 4; HETEROTOPIA, PERIVENTRICULAR, 1. Identifiers: Orphanet 2149, Orphanet 82004, MedGen C1848213, MONDO:0010233, OMIM 300049.
Oto-palato-digital syndrome, type II (OPD2). Also called: FACIOPALATOOSSEOUS SYNDROME; OPD II SYNDROME; Otopalatodigital Syndrome, Type II; Otopalatodigital Syndrome Type 2 (FLNA-OPD2). Identifiers: Orphanet 669, Orphanet 90652, MedGen C1844696, MONDO:0010571, OMIM 304120.

gnomAD v4.1: 1 of 1,210,981 alleles (0.000083%); highest among the groups gnomAD compares: Non-Finnish European, 0.00011%; no homozygotes.

Submission:

Labcorp Genetics (formerly Invitae), Labcorp
Classification: Uncertain significance for Oto-palato-digital syndrome, type II; Heterotopia, periventricular, X-linked dominant; Frontometaphyseal dysplasia; Melnick-Needles syndrome. Last evaluated: 2024-02-04. Review status: criteria provided, single submitter. Criteria: Invitae Variant Classification Sherloc (09022015). Collection method: clinical testing. Allele origin: germline.
Comment: This sequence change replaces lysine, which is basic and polar, with arginine, which is basic and polar, at codon 1883 of the FLNA protein (p.Lys1883Arg). This variant is not present in population databases (gnomAD no frequency). This variant has not been reported in the literature in individuals affected with FLNA-related conditions. Advanced modeling of protein sequence and biophysical properties (such as structural, functional, and spatial information, amino acid conservation, physicochemical variation, residue mobility, and thermodynamic stability) performed at Invitae indicates that this missense variant is not expected to disrupt FLNA protein function with a negative predictive value of 95%. In summary, the available evidence is currently insufficient to determine the role of this variant in disease. Therefore, it has been classified as a Variant of Uncertain Significance.

NM_001110556.2(FLNA):c.5672A>G (p.Lys1891Arg)

Gene: FLNA (filamin A; minus strand). Cytogenetic location: Xq28.
Variant type: single nucleotide variant.
Coding change: c.5672A>G on transcript NM_001110556.2 (MANE Select); coding-DNA position 5672, A replaced by G.
Protein change: p.Lys1891Arg; replaces lysine 1891 with arginine.
Molecular consequence: missense variant.
Genome position (GRCh38, 1-based): chrX:154,353,929, T>C on the plus strand (A>G on the coding strand, the complement: FLNA is on the minus strand). VCF-style: chrX-154353929-T-C. GRCh37 (hg19) VCF-style: chrX-153582297-T-C.
Other names: c.5648A>G, p.Lys1883Arg (NM_001456.4); short protein forms K1883R, K1891R.
Identifiers: ClinVar variation 3752048 (VCV003752048.2).